The following is an entry in ClinVar:

NM_000465.4(BARD1):c.1915T>C (p.Cys639Arg)

Gene: BARD1 (BRCA1 associated RING domain 1; minus strand). Cytogenetic location: 2q35.
Variant type: single nucleotide variant.
Coding change: c.1915T>C on transcript NM_000465.4 (MANE Select); coding-DNA position 1915, T replaced by C.
Protein change: p.Cys639Arg; replaces cysteine 639 with arginine.
Molecular consequence: missense variant. On other transcripts: non-coding transcript variant (3).
Genome position (GRCh38, 1-based): chr2:214,730,497, A>G on the plus strand (T>C on the coding strand, the complement: BARD1 is on the minus strand). VCF-style: chr2-214730497-A-G. GRCh37 (hg19) VCF-style: chr2-215595221-A-G.
Other names: c.1858T>C, p.Cys620Arg (NM_001282543.2); c.562T>C, p.Cys188Arg (NM_001282545.2); c.505T>C, p.Cys169Arg (NM_001282548.2); c.376T>C, p.Cys126Arg (NM_001282549.2); short protein forms C639R, C169R, C188R, C620R, C126R.
Identifiers: ClinVar variation 140927 (VCV000140927.42), dbSNP rs587781376, ClinGen allele CA163942.

ClinVar aggregate classification (germline): Uncertain significance. Review status: criteria provided, multiple submitters, no conflicts (2 of 4 stars). 14 submissions from 14 submitters: Uncertain significance (14). Last evaluated 2026-02-25.

Conditions:
BARD1-related disorder. Also called: BARD1-related condition.
Hereditary cancer-predisposing syndrome. Also called: Tumor predisposition; Neoplastic Syndromes, Hereditary; Hereditary neoplastic syndrome; Hereditary Cancer Syndrome. Identifiers: Orphanet 140162, MedGen C0027672, MeSH D009386, MONDO:0015356.
Familial cancer of breast. Also called: BREAST CANCER, FAMILIAL; Hereditary breast cancer; hereditary breast carcinoma. Identifiers: Orphanet 227535, MedGen C0346153, MONDO:0016419, OMIM 114480. Disease mechanism: loss of function.

Allele frequency attached by ClinVar (database versions not stated): ExAC 0.00002; TOPMed 0.00002; gnomAD 0.00003; gnomAD exomes 0.00003.

Submissions (14):

PreventionGenetics, part of Exact Sciences
Classification: Uncertain significance for BARD1-related condition. Last evaluated: 2026-02-25. Review status: criteria provided, single submitter. Criteria: ACMG Guidelines, 2015. Collection method: clinical testing. Allele origin: germline.
Comment: The BARD1 c.1915T>C variant is predicted to result in the amino acid substitution p.Cys639Arg. This variant has been reported in multiple individuals with breast and/or ovarian cancer (see for example, Table 1, Li et al. 2016. PubMed ID: 26534844; Table S3, Rizzolo et al. 2019. PubMed ID: 30613976; Table S3, Guindalini et al. 2022. PubMed ID: 35264596; Scarpitta et al. 2019. PubMed ID: 31512090). However, this variant has also been seen in presumably healthy controls (Supplementary File, Breast Cancer Association Consortium. 2021. PubMed ID: 33471991). This variant is reported in 0.0092% of alleles in individuals of European (Finnish) descent in gnomAD. This variant has been classified as uncertain significance in the ClinVar database (Variation ID: 140927). At this time, the clinical significance of this variant is uncertain due to the absence of conclusive functional and genetic evidence.

Labcorp Genetics (formerly Invitae), Labcorp
Classification: Uncertain significance for Familial cancer of breast. Last evaluated: 2026-01-28. Review status: criteria provided, single submitter. Criteria: Invitae Variant Classification Sherloc (09022015). Collection method: clinical testing. Allele origin: germline.
Comment: This sequence change replaces cysteine, which is neutral and slightly polar, with arginine, which is basic and polar, at codon 639 of the BARD1 protein (p.Cys639Arg). This variant is present in population databases (rs587781376, gnomAD 0.009%). This missense change has been observed in individual(s) with breast and/or ovarian cancer (PMID: 26534844, 30613976, 31036035, 31159747, 31512090, 35264596, 36980780). ClinVar contains an entry for this variant (Variation ID: 140927). An algorithm developed to predict the effect of missense changes on protein structure and function (PolyPhen-2) suggests that this variant is likely to be disruptive. In summary, the available evidence is currently insufficient to determine the role of this variant in disease. Therefore, it has been classified as a Variant of Uncertain Significance.

Center for Genomic Medicine, Rigshospitalet, Copenhagen University Hospital
Classification: Uncertain significance. Last evaluated: 2025-12-29. Review status: criteria provided, single submitter. Criteria: ACMG Guidelines, 2015. Collection method: clinical testing. Allele origin: germline.

Dasa
Classification: Uncertain significance. Last evaluated: 2025-10-28. Review status: criteria provided, single submitter. Criteria: DASA Assertion Criteria. Collection method: clinical testing. Allele origin: germline.
Comment: NM_000465.4(BARD1):c.1915T>C (p.Cys639Arg) is a missense variant that results in the substitution of cysteine with arginine. This variant is rare in population databases. Computational prediction algorithms are consistent with a deleterious effect. The currently available literature and clinical evidence are not sufficient to establish a definitive association between this variant and the reported condition. Therefore, this variant is classified as a variant of uncertain significance.

Ambry Genetics
Classification: Uncertain significance for Hereditary cancer-predisposing syndrome. Last evaluated: 2025-07-16. Review status: criteria provided, single submitter. Criteria: Ambry Variant Classification Scheme 2023. Collection method: clinical testing. Allele origin: germline.
Comment: The p.C639R variant (also known as c.1915T>C), located in coding exon 10 of the BARD1 gene, results from a T to C substitution at nucleotide position 1915. The cysteine at codon 639 is replaced by arginine, an amino acid with highly dissimilar properties. This variant has been identified in numerous disease cohorts as well as unaffected control groups across studies (Li J et al. J. Med. Genet., 2016 Jan;53:34-42; Scarpitta R et al. Breast Cancer Res Treat, 2019 Dec;178:557-564; Tsaousis GN et al. BMC Cancer, 2019 Jun;19:535; Weber-Lassalle N et al. Breast Cancer Res, 2019 04;21:55; Dorling et al. N Engl J Med. 2021 02;384:428-439; Rizzolo P et al. Int J Cancer, 2019 Jul;145:390-400; Guindalini RSC et al. Sci Rep, 2022 Mar;12:4190). This amino acid position is highly conserved in available vertebrate species. In addition, this alteration is predicted to be deleterious by in silico analysis. Since supporting evidence is limited at this time, the clinical significance of this alteration remains unclear.

Women's Health and Genetics/Laboratory Corporation of America, LabCorp
Classification: Uncertain significance. Last evaluated: 2025-06-05. Review status: criteria provided, single submitter. Criteria: LabCorp Variant Classification Summary - May 2015. Collection method: clinical testing. Allele origin: germline.
Comment: Variant summary: BARD1 c.1915T>C (p.Cys639Arg) results in a non-conservative amino acid change in the encoded protein sequence. Algorithms developed to predict the effect of missense changes on protein structure and function all suggest that this variant is likely to be disruptive. The variant allele was found at a frequency of 2.8e-05 in 251322 control chromosomes (gnomAD). The available data on variant occurrences in the general population are insufficient to allow any conclusion about variant significance. c.1915T>C has been observed in individuals affected with Breast Cancer, as well as unaffected controls (e.g., Li_2016, Weber-Lassalle_2019, Dorling_2021, Guinalini_2022). These reports do not provide unequivocal conclusions about association of the variant with Hereditary Breast And Ovarian Cancer Syndrome. To our knowledge, no experimental evidence demonstrating an impact on protein function has been reported. The following publications have been ascertained in the context of this evaluation (PMID: 26534844, 35264596, 33471991, 31036035). ClinVar contains an entry for this variant (Variation ID: 140927). Based on the evidence outlined above, the variant was classified as uncertain significance.

GeneDx
Classification: Uncertain significance. Last evaluated: 2024-02-07. Review status: criteria provided, single submitter. Criteria: GeneDx Variant Classification Process June 2021. Collection method: clinical testing. Allele origin: germline. Affected: yes.
Comment: Observed in individuals with a personal or family history including breast and/ovarian cancer (PMID: 26534844, 31036035, 31512090, 30613976, 35264596, 36980780, 33471991); In silico analysis supports that this missense variant has a deleterious effect on protein structure/function; This variant is associated with the following publications: (PMID: 31036035, 31512090, 26534844, 31159747, 17550235, 33471991, 30613976, 35264596, 36980780)

Baylor Genetics
Classification: Uncertain significance for Familial cancer of breast. Last evaluated: 2023-08-21. Review status: criteria provided, single submitter. Criteria: ACMG Guidelines, 2015. Collection method: clinical testing. Allele origin: unknown.

Color Diagnostics, LLC DBA Color Health
Classification: Uncertain significance for Hereditary cancer-predisposing syndrome. Last evaluated: 2023-08-01. Review status: criteria provided, single submitter. Criteria: ACMG Guidelines, 2015. Collection method: clinical testing. Allele origin: germline.
Comment: This missense variant replaces cysteine with arginine at codon 639 of the BARD1 protein. Computational prediction suggests that this variant may have deleterious impact on protein structure and function (internally defined REVEL score threshold >= 0.7, PMID: 27666373). To our knowledge, functional studies have not been reported for this variant. This variant has been reported in individuals with a personal or family history of breast and/or ovarian cancer (PMID: 26534844, 31036035, 31159747, 31512090, 36980780). In a large breast cancer case-control study conducted by the BRIDGES consortium, this variant was reported in 6/60466 cases and 4/53461 unaffected controls (PMID: 33471991; Leiden Open Variation Database DB-ID BARD1_000127). This variant has been identified in 7/251322 chromosomes in the general population by the Genome Aggregation Database (gnomAD). The available evidence is insufficient to determine the role of this variant in disease conclusively. Therefore, this variant is classified as a Variant of Uncertain Significance.

Department of Pathology and Laboratory Medicine, Sinai Health System
Classification: Uncertain significance for Familial cancer of breast. Last evaluated: 2022-06-06. Review status: criteria provided, single submitter. Criteria: ACMG Guidelines, 2015. Collection method: clinical testing. Allele origin: germline. Affected: yes.

Quest Diagnostics Nichols Institute San Juan Capistrano
Classification: Uncertain significance. Last evaluated: 2020-01-10. Review status: criteria provided, single submitter. Criteria: Quest Diagnostics criteria. Collection method: clinical testing. Allele origin: unknown.

GeneKor MSA
Classification: Uncertain significance for Hereditary cancer-predisposing syndrome. Last evaluated: 2018-08-01. Review status: criteria provided, single submitter. Criteria: ACMG Guidelines, 2015. Collection method: clinical testing. Allele origin: germline. Affected: yes.

Mendelics
Classification: Uncertain significance for Familial cancer of breast. Last evaluated: 2018-07-02. Review status: criteria provided, single submitter. Criteria: Mendelics Assertion Criteria 2017. Collection method: clinical testing. Allele origin: unknown.

Illumina Laboratory Services, Illumina
Classification: Uncertain significance for Familial cancer of breast. Last evaluated: 2018-01-13. Review status: criteria provided, single submitter. Criteria: ICSL Variant Classification Criteria 13 December 2019. Collection method: clinical testing. Allele origin: germline.

Literature cited by the submitters: PubMed 26534844 (cited by 6 submitters); PubMed 30613976 (cited by 3 submitters); PubMed 31036035 (cited by 6 submitters); PubMed 31159747 (cited by 5 submitters); PubMed 31512090 (cited by 5 submitters); PubMed 35264596 (cited by 3 submitters); PubMed 36980780 (cited by Labcorp Genetics (formerly Invitae), Labcorp and Color Diagnostics, LLC DBA Color Health); PubMed 33471991 (cited by 3 submitters).